The following is an entry in ClinVar:

NC_000010.10:g.(?_55996563)_(56089486_?)del

Gene: PCDH15 (protocadherin related 15; minus strand). Cytogenetic location: 10q21.1.
Variant type: Deletion.
Identifiers: ClinVar variation 1428365 (VCV001428365.4).

ClinVar aggregate classification (germline): Pathogenic (1 of 4 stars; one submission).

Submission:

Labcorp Genetics (formerly Invitae), Labcorp
Classification: Pathogenic. Last evaluated: 2023-03-22. Review status: criteria provided, single submitter. Criteria: Invitae Variant Classification Sherloc (09022015). Collection method: clinical testing. Allele origin: germline.
Comment: For these reasons, this variant has been classified as Pathogenic. This variant has not been reported in the literature in individuals affected with PCDH15-related conditions. This variant is a gross deletion of the genomic region encompassing exon(s) 7-9 of the PCDH15 gene. This deletion is out-of-frame, and is expected to create a premature termination codon and result in an absent or disrupted protein product. Loss-of-function variants in PCDH15 are known to be pathogenic (PMID: 11398101, 11487575, 14570705).

Literature cited by the submitters: PubMed 11398101; PubMed 11487575; PubMed 14570705.